The following is an entry in ClinVar:

NM_012434.5(SLC17A5):c.321_322insGTCTCTTATA (p.Gln108fs)

Genes: SLC17A5 (solute carrier family 17 member 5; minus strand), LOC132089454 (Neanderthal introgressed variant-containing enhancer experimental_94412; plus strand). Cytogenetic location: 6q13.
Variant type: Insertion.
Coding change: c.321_322insGTCTCTTATA on transcript NM_012434.5 (MANE Select); coding-DNA positions 321 to 322, GTCTCTTATA inserted.
Protein change: p.Gln108fs; shifts the reading frame from glutamine 108.
Molecular consequence: frameshift variant.
Genome position: GRCh38 VCF-style: chr6-73641894-G-GTATAAGAGAC. GRCh37 (hg19) VCF-style: chr6-74351617-G-GTATAAGAGAC.
Other names: c.90_91insGTCTCTTATA, p.Gln31fs (NM_001382629.1, NM_001382636.1); c.321_322insGTCTCTTATA, p.Gln108fs (NM_001382630.1, NM_001382632.1, NM_001382633.1 and 2 more transcripts); c.342_343insGTCTCTTATA, p.Gln115fs (NM_001382631.1); short protein forms Q108fs, Q115fs, Q31fs.
Identifiers: ClinVar variation 1725546 (VCV001725546.3), dbSNP rs2533511497, ClinGen allele CA2580075806.
Genomic context (GRCh38, chr6:73,641,894, plus strand): 5'-ATCCTCCAGGAATCTGTGTGATGATGTAGCCATAAAAAAAGGAACCGAGAATCCATCCTT[G>GTATAAGAGAC]AGTTTCTGCATCCCATTGGTACTTCTTACCCTACAAAAATCAGAAAAGAATAAAACAATC-3'

ClinVar aggregate classification (germline): Likely pathogenic (1 of 4 stars; one submission).

Conditions:
Sialic acid storage disease, severe infantile type (ISSD). Also called: INFANTILE SIALIC ACID STORAGE DISORDER; N-ACETYLNEURAMINIC ACID STORAGE DISEASE; NANA STORAGE DISEASE; SIALURIA, INFANTILE FORM; Infantile Sialic Acid Storage Disease; Free sialic acid storage disease, infantile form. Identifiers: Orphanet 309324, Orphanet 834, MedGen C1096902, MONDO:0010027, OMIM 269920.

Submission:

Myriad Genetics, Inc.
Classification: Likely pathogenic for Sialic acid storage disease, severe infantile type. Last evaluated: 2021-12-03. Review status: criteria provided, single submitter. Criteria: Myriad Autosomal Dominant, Autosomal Recessive and X-Linked Classification Criteria (2023). Collection method: clinical testing. Allele origin: unknown.
Comment: NM_012434.4(SLC17A5):c.321_322ins10(Q108Vfs*90) is expected to be pathogenic in the context of free sialic acid storage disorders. This variant is predicted to lead to an abnormal or absent protein product due to the creation of a premature termination codon in SLC17A5, a gene where loss-of-function variants are known to be pathogenic. Please note: this variant was assessed in the context of healthy population screening.